The following is an entry in ClinVar:

NM_001267550.2(TTN):c.90608_90609del (p.Thr30203fs)

Genes: TTN (titin; minus strand), TTN-AS1 (TTN antisense RNA 1; plus strand). Cytogenetic location: 2q31.2.
Variant type: Deletion.
Coding change: c.90608_90609del on transcript NM_001267550.2 (MANE Select); coding-DNA positions 90608 to 90609, 2 bases deleted (CT; older notation c.90608_90609delCT).
Protein change: p.Thr30203fs; shifts the reading frame from threonine 30203.
Molecular consequence: frameshift variant.
Genome position (GRCh38, 1-based): chr2:178,552,291-178,552,292, AG deleted on the plus strand (CT on the coding strand, the reverse complement: TTN is on the minus strand). VCF-style (leftmost placement, unchanged base first): chr2-178552290-CAG-C. GRCh37 (hg19) VCF-style: chr2-179417017-CAG-C.
Other names: c.85685_85686del, p.Thr28562fs (NM_001256850.1); c.63413_63414del, p.Thr21138fs (NM_003319.4); c.82904_82905del, p.Thr27635fs (NM_133378.4); c.63788_63789del, p.Thr21263fs (NM_133432.3); c.63989_63990del, p.Thr21330fs (NM_133437.4); short protein forms T21138fs, T28562fs, T21263fs, T21330fs, T27635fs, T30203fs.
Identifiers: ClinVar variation 4785971 (VCV004785971.1).
Genomic context (GRCh38, chr2:178,552,290, plus strand): 5'-GGCCAAGGGTGATGACTGTAATGGGGACTGCAATTCTACACACTGCATTATCAAGAATAA[CAG>C]TGTATTTTCCTCCATGCTCCTTCTTGGCATTCTTAATACTCAAAGTAATTTTGTTTTCAG-3'

ClinVar aggregate classification (germline): Likely pathogenic (1 of 4 stars; one submission).

Conditions:
Autosomal recessive limb-girdle muscular dystrophy type 2J (LGMDR10). Also called: Limb-girdle muscular dystrophy, type 2J; MUSCULAR DYSTROPHY, LIMB-GIRDLE, AUTOSOMAL RECESSIVE 10. Identifiers: Orphanet 140922, MedGen C1837342, MONDO:0012127, OMIM 608807.
Dilated cardiomyopathy 1G (CMD1G). Identifiers: Orphanet 154, MedGen C1858763, MONDO:0011400, OMIM 604145.

Submission:

Labcorp Genetics (formerly Invitae), Labcorp
Classification: Likely pathogenic for Dilated cardiomyopathy 1G; Autosomal recessive limb-girdle muscular dystrophy type 2J. Last evaluated: 2025-08-26. Review status: criteria provided, single submitter. Criteria: Invitae Variant Classification Sherloc (09022015). Collection method: clinical testing. Allele origin: germline.
Comment: This sequence change creates a premature translational stop signal (p.Thr30203Serfs*4) in the TTN gene. While this is not anticipated to result in nonsense mediated decay, it is expected to create a truncated TTN protein. This variant is not present in population databases (gnomAD no frequency). This variant has not been reported in the literature in individuals affected with TTN-related conditions. This variant is located in the A band of TTN (PMID: 25589632). Truncating variants in this region are significantly overrepresented in patients affected with dilated cardiomyopathy (PMID: 25589632). Truncating variants in this region have also been reported in individuals affected with autosomal recessive centronuclear myopathy (PMID: 23975875). In summary, the currently available evidence indicates that the variant is pathogenic, but additional data are needed to prove that conclusively. Therefore, this variant has been classified as Likely Pathogenic.

Literature cited by the submitters: PubMed 25589632; PubMed 23975875.